The following is an entry in ClinVar:

ClinVar aggregate classification (germline): Uncertain significance. Review status: criteria provided, multiple submitters, no conflicts (2 of 4 stars). 2 submissions from 2 submitters: Uncertain significance (2). Last evaluated 2022-12-27.

Conditions:
Inborn genetic diseases. Identifiers: MedGen C0950123, MeSH D030342.

Allele frequency attached by ClinVar (database versions not stated): gnomAD 0.00002; gnomAD exomes 0.00003 and 0.00004; TOPMed 0.00004; ExAC 0.00006; ESP Exome Variant Server 0.00012.
gnomAD v4.1: 41 of 1,612,498 alleles (0.0025%); highest among the groups gnomAD compares: South Asian, 0.023%; no homozygotes.

Submissions (2):

Ambry Genetics
Classification: Uncertain significance for Inborn genetic diseases. Last evaluated: 2022-12-27. Review status: criteria provided, single submitter. Criteria: Ambry Variant Classification Scheme 2023. Collection method: clinical testing. Allele origin: germline.

Labcorp Genetics (formerly Invitae), Labcorp
Classification: Uncertain significance. Last evaluated: 2021-08-26. Review status: criteria provided, single submitter. Criteria: Invitae Variant Classification Sherloc (09022015). Collection method: clinical testing. Allele origin: germline.
Comment: This sequence change replaces arginine with cysteine at codon 653 of the SKIV2L protein (p.Arg653Cys). The arginine residue is moderately conserved and there is a large physicochemical difference between arginine and cysteine. This variant is present in population databases (rs373944361, ExAC 0.04%). This variant has not been reported in the literature in individuals affected with SKIV2L-related conditions. Algorithms developed to predict the effect of missense changes on protein structure and function are either unavailable or do not agree on the potential impact of this missense change (SIFT: "Deleterious"; PolyPhen-2: "Probably Damaging"; Align-GVGD: "Class C0"). In summary, the available evidence is currently insufficient to determine the role of this variant in disease. Therefore, it has been classified as a Variant of Uncertain Significance.

NM_006929.5(SKIC2):c.1957C>T (p.Arg653Cys)

Gene: SKIC2 (SKI2 subunit of superkiller complex; plus strand). Cytogenetic location: 6p21.33.
Variant type: single nucleotide variant.
Coding change: c.1957C>T on transcript NM_006929.5 (MANE Select); coding-DNA position 1957, C replaced by T.
Protein change: p.Arg653Cys; replaces arginine 653 with cysteine.
Molecular consequence: missense variant.
Genome position (GRCh38, 1-based): chr6:31,964,328, C>T. VCF-style: chr6-31964328-C-T. GRCh37 (hg19) VCF-style: chr6-31932105-C-T.
Other names: c.1957C>T (NM_006929.4); short protein forms R653C.
Identifiers: ClinVar variation 1054796 (VCV001054796.7), dbSNP rs373944361, ClinGen allele CA3729635.